The following is an entry in ClinVar:

NM_000083.3(CLCN1):c.2404-9G>A

Gene: CLCN1 (chloride voltage-gated channel 1; plus strand). Cytogenetic location: 7q34.
Variant type: single nucleotide variant.
Coding change: c.2404-9G>A on transcript NM_000083.3 (MANE Select); 9 bases into the intron before coding-DNA position 2404, G replaced by A.
Molecular consequence: intron variant.
Genome position (GRCh38, 1-based): chr7:143,350,363, G>A. VCF-style: chr7-143350363-G-A. GRCh37 (hg19) VCF-style: chr7-143047456-G-A.
Identifiers: ClinVar variation 2684160 (VCV002684160.4), dbSNP rs1803358399, ClinGen allele CA1108132859.

ClinVar aggregate classification (germline): Uncertain significance. Review status: criteria provided, multiple submitters, no conflicts (2 of 4 stars). 2 submissions from 2 submitters: Uncertain significance (2). Last evaluated 2025-01-23.

Conditions:
Congenital myotonia, autosomal dominant form (THD). Also called: THOMSEN DISEASE; Myotonia congenita autosomal dominant. Identifiers: Orphanet 614, MedGen C2936781, MONDO:0008055, OMIM 160800.
Congenital myotonia, autosomal recessive form. Also called: BECKER DISEASE; myotonia congenita, autosomal recessive; Becker Generalized Myotonia. Identifiers: Orphanet 614, MedGen C0751360, MONDO:0009715, OMIM 255700.

Allele frequency attached by ClinVar (database versions not stated): gnomAD exomes below 0.00001.
gnomAD v4.1: 2 of 1,612,154 alleles (0.00012%); highest among the groups gnomAD compares: African/African-American, 0.0013%; no homozygotes.

Submissions (2):

Labcorp Genetics (formerly Invitae), Labcorp
Classification: Uncertain significance for Congenital myotonia, autosomal recessive form; Congenital myotonia, autosomal dominant form. Last evaluated: 2025-01-23. Review status: criteria provided, single submitter. Criteria: Invitae Variant Classification Sherloc (09022015). Collection method: clinical testing. Allele origin: germline.
Comment: This sequence change falls in intron 20 of the CLCN1 gene. It does not directly change the encoded amino acid sequence of the CLCN1 protein. This variant is not present in population databases (gnomAD no frequency). This variant has not been reported in the literature in individuals affected with CLCN1-related conditions. ClinVar contains an entry for this variant (Variation ID: 2684160). Algorithms developed to predict the effect of sequence changes on RNA splicing suggest that this variant may disrupt the consensus splice site. In summary, the available evidence is currently insufficient to determine the role of this variant in disease. Therefore, it has been classified as a Variant of Uncertain Significance.

Athena Diagnostics
Classification: Uncertain significance. Last evaluated: 2023-09-11. Review status: criteria provided, single submitter. Criteria: Athena Diagnostics Criteria. Collection method: clinical testing. Allele origin: unknown.
Comment: Available data are insufficient to determine the clinical significance of the variant at this time. This variant has not been reported in large, multi-ethnic general populations. Computational tools yielded predictions that this variant may interfere with normal RNA splicing.